The following is an entry in ClinVar:

ClinVar aggregate classification (germline): Likely pathogenic. Review status: reviewed by expert panel (3 of 4 stars). 2 submissions from 2 submitters: Likely pathogenic (1). 1 of the submissions does not count toward it. Last evaluated 2021-02-14.

Conditions:
Phenylketonuria (PKU). Also called: Phenylketonuria (PKU); FOLLING DISEASE; OLIGOPHRENIA PHENYLPYRUVICA; Phenylketonurias. Identifiers: Orphanet 716, MedGen C0031485, MONDO:0009861, OMIM 261600. Disease mechanism: loss of function.

Submissions (2):

ClinGen PAH Variant Curation Expert Panel
Classification: Likely pathogenic for Phenylketonuria. Last evaluated: 2021-02-14. Review status: reviewed by expert panel. Criteria: ClinGen PAH ACMG Specifications v1. Collection method: curation. Allele origin: germline. Inheritance: Autosomal recessive inheritance.
Comment: The c.1054G>C (p.Gly352Arg) variant in PAH has been reported in multiple individuals with classical and mild PKU (BH4 deficiency excluded) (PMID 9634518, 29316886, 30747360). This variant is absent in population databases. This variant was detected in trans with pathogenic variant p.Arg243Gln (PMID: 29316886). Computational evidence supports a deleterious effect. Another missense variant at the same amino acid, p.Gly352Cys, has no assertion in ClinVar. In summary, this variant meets criteria to be classified as likely pathogenic for PAH. PAH-specific ACMG/AMP criteria applied: PP4_Moderate, PM2, PM3, PP3.

DeBelle Laboratory for Biochemical Genetics, MUHC/MCH RESEARCH INSTITUTE
No classification provided. Review status: no classification provided. Collection method: not provided. Allele origin: not provided. Not counted in ClinVar's aggregate classification.

Literature cited by the submitters: PubMed 9634518 (cited by ClinGen PAH Variant Curation Expert Panel).

NM_000277.3(PAH):c.1054G>C (p.Gly352Arg)

Gene: PAH (phenylalanine hydroxylase; minus strand). Cytogenetic location: 12q23.2.
Variant type: single nucleotide variant.
Coding change: c.1054G>C on transcript NM_000277.3 (MANE Select); coding-DNA position 1054, G replaced by C.
Protein change: p.Gly352Arg; replaces glycine 352 with arginine.
Molecular consequence: missense variant.
Genome position (GRCh38, 1-based): chr12:102,844,347, C>G on the plus strand (G>C on the coding strand, the complement: PAH is on the minus strand). VCF-style: chr12-102844347-C-G. GRCh37 (hg19) VCF-style: chr12-103238125-C-G.
Other names: c.1054G>C, p.Gly352Arg (NM_001354304.2); short protein forms G352R.
Identifiers: ClinVar variation 102496 (VCV000102496.2), dbSNP rs62508686, ClinGen allele CA229307.